The following is an entry in ClinVar:

NM_015409.5(EP400):c.147G>A (p.Ser49=)

Gene: EP400 (E1A binding protein p400; plus strand). Cytogenetic location: 12q24.33.
Variant type: single nucleotide variant.
Coding change: c.147G>A on transcript NM_015409.5 (MANE Select); coding-DNA position 147, G replaced by A.
Protein change: p.Ser49=; no amino-acid change (serine 49 retained).
Molecular consequence: synonymous variant.
Genome position (GRCh38, 1-based): chr12:131,960,766, G>A. VCF-style: chr12-131960766-G-A. GRCh37 (hg19) VCF-style: chr12-132445311-G-A.
Identifiers: ClinVar variation 2643614 (VCV002643614.24), dbSNP rs763444984, ClinGen allele CA6884454.
Genomic context (GRCh38, chr12:131,960,766, plus strand): 5'-GGCCCACCCCAACCCACCCCCGTCCCCCGCAGCTCCCTTCGCTCCCTCAGCAAGCCCGTC[G>A]GCACCCCAGTCTCCCAGTTATCAAATACAGCAGCTGATGAATAGGAGCCCTGCAACCGGG-3'
Protein context (NP_056224.3, residues 39-59): AAPFAPSASP[Ser49=]APQSPSYQIQ

ClinVar aggregate classification (germline): Likely benign (1 of 4 stars; one submission).

Allele frequency attached by ClinVar (database versions not stated): ExAC 0.00003; gnomAD 0.00003; gnomAD exomes 0.00003; TOPMed 0.00006.
gnomAD v4.1: 37 of 1,366,552 alleles (0.0027%); highest among the groups gnomAD compares: Middle Eastern, 0.062%; no homozygotes.

Submission:

CeGaT Center for Human Genetics Tuebingen
Classification: Likely benign. Last evaluated: 2023-04-01. Review status: criteria provided, single submitter. Criteria: CeGaT Center For Human Genetics Tuebingen Variant Classification Criteria Version 2. Collection method: clinical testing. Allele origin: germline. Affected: yes. Observed: 1 variant allele.
Comment: EP400: BP4, BP7